The following is an entry in ClinVar:

ClinVar aggregate classification (germline): Uncertain significance (1 of 4 stars; one submission).

Conditions:
Lissencephaly due to LIS1 mutation (LIS1). Also called: Isolated Lissencephaly Sequence; PAFAH1B1-Associated Lissencephaly/Subcortical Band Heterotopia; PAFAH1B1-Related Lissencephaly/Subcortical Band Heterotopia. Identifiers: Orphanet 95232, MedGen C4749301, MONDO:0011830, OMIM 607432.

Submission:

Institute of Human Genetics, University of Leipzig Medical Center
Classification: Uncertain significance for Lissencephaly due to LIS1 mutation. Last evaluated: 2024-12-11. Review status: criteria provided, single submitter. Criteria: ACMG Guidelines, 2015. Collection method: clinical testing. Allele origin: unknown. Inheritance: Autosomal dominant inheritance. Affected: yes.
Comment: Criteria applied: PM2,PM1_SUP,PP2

NM_000430.4(PAFAH1B1):c.1205A>G (p.Gln402Arg)

Gene: PAFAH1B1 (platelet activating factor acetylhydrolase 1b regulatory subunit 1; plus strand). Cytogenetic location: 17p13.3.
Variant type: single nucleotide variant.
Coding change: c.1205A>G on transcript NM_000430.4 (MANE Select); coding-DNA position 1205, A replaced by G.
Protein change: p.Gln402Arg; replaces glutamine 402 with arginine.
Molecular consequence: missense variant.
Genome position (GRCh38, 1-based): chr17:2,681,774, A>G. VCF-style: chr17-2681774-A-G. GRCh37 (hg19) VCF-style: chr17-2585068-A-G.
Other names: short protein forms Q402R.
Identifiers: ClinVar variation 3572885 (VCV003572885.2).
Genomic context (GRCh38, chr17:2,681,774, plus strand): 5'-TTCTTTTTCTTTCAGATTTCCACAAGACGGCACCCTATGTCGTCACTGGCAGCGTAGATC[A>G]AACAGTAAAAGTGTGGGAGTGCCGTTGATTGTGTCTCCTTCGGCCCCTCCTCCCTCTTTT-3'
Protein context (NP_000421.1, residues 392-410): APYVVTGSVD[Gln402Arg]TVKVWECR